The following is an entry in ClinVar:

ClinVar aggregate classification (germline): Likely benign (1 of 4 stars; one submission).

Allele frequency attached by ClinVar (database versions not stated): gnomAD exomes below 0.00001; ExAC 0.00001.
gnomAD v4.1: 2 of 1,613,468 alleles (0.00012%); highest among the groups gnomAD compares: Non-Finnish European, 0.00017%; no homozygotes.

Submission:

Women's Health and Genetics/Laboratory Corporation of America, LabCorp
Classification: Likely benign. Last evaluated: 2023-09-13. Review status: criteria provided, single submitter. Criteria: LabCorp Variant Classification Summary - May 2015. Collection method: clinical testing. Allele origin: germline.
Comment: Variant summary: TNC c.5730C>T alters a conserved nucleotide resulting in a synonymous change. Consensus agreement among computation tools predict no significant impact on normal splicing. However, these predictions have yet to be confirmed by functional studies. The variant allele was found at a frequency of 4e-06 in 248938 control chromosomes (gnomAD). The available data on variant occurrences in the general population are insufficient to allow any conclusion about variant significance. To our knowledge, no occurrence of c.5730C>T in individuals affected with Deafness, Autosomal Dominant 56 and no experimental evidence demonstrating its impact on protein function have been reported. No submitters have cited clinical-significance assessments for this variant to ClinVar after 2014. Based on the evidence outlined above, the variant was classified as likely benign.

NM_002160.4(TNC):c.5730C>T (p.Pro1910=)

Gene: TNC (tenascin C; minus strand). Cytogenetic location: 9q33.1.
Variant type: single nucleotide variant.
Coding change: c.5730C>T on transcript NM_002160.4 (MANE Select); coding-DNA position 5730, C replaced by T.
Protein change: p.Pro1910=; no amino-acid change (proline 1910 retained).
Molecular consequence: synonymous variant.
Genome position (GRCh38, 1-based): chr9:115,035,261, G>A on the plus strand (C>T on the coding strand, the complement: TNC is on the minus strand). VCF-style: chr9-115035261-G-A. GRCh37 (hg19) VCF-style: chr9-117797540-G-A.
Other names: c.5184C>T, p.Pro1728= (NM_001410991.1).
Identifiers: ClinVar variation 2627216 (VCV002627216.1), dbSNP rs751983534, ClinGen allele CA5207550.
Genomic context (GRCh38, chr9:115,035,261, plus strand): 5'-TACCTTGACTGTGCCATCCACTGATTCATAGACCAGCAGGTAACCGGTGACTGATGCCCG[G>A]GGGGGTCGCCAGGTAAGGAGGGCAGTTTCCGACTGAACCTCAGTAGCAGTCAAGTCTCTT-3'
Protein context (NP_002151.2, residues 1900-1920): SETALLTWRP[Pro1910=]RASVTGYLLV